The following is an entry in ClinVar:

ClinVar aggregate classification (germline): Uncertain significance (1 of 4 stars; one submission).

Conditions:
Hereditary cancer-predisposing syndrome. Also called: Neoplastic Syndromes, Hereditary; Tumor predisposition; Hereditary Cancer Syndrome; Hereditary neoplastic syndrome. Identifiers: Orphanet 140162, MedGen C0027672, MeSH D009386, MONDO:0015356.

Submission:

Ambry Genetics
Classification: Uncertain significance for Hereditary cancer-predisposing syndrome. Last evaluated: 2025-01-16. Review status: criteria provided, single submitter. Criteria: Ambry Variant Classification Scheme 2023. Collection method: clinical testing. Allele origin: germline.
Comment: The p.R2669G variant (also known as c.8005A>G), located in coding exon 17 of the BRCA2 gene, results from an A to G substitution at nucleotide position 8005. The arginine at codon 2669 is replaced by glycine, an amino acid with dissimilar properties. This amino acid position is highly conserved in available vertebrate species. In addition, this alteration is predicted to be deleterious by in silico analysis. Since supporting evidence is limited at this time, the clinical significance of this alteration remains unclear.

Literature cited by the submitters: PubMed 29884841.

NM_000059.4(BRCA2):c.8005A>G (p.Arg2669Gly)

Gene: BRCA2 (BRCA2 DNA repair associated; plus strand). Cytogenetic location: 13q13.1.
Variant type: single nucleotide variant.
Coding change: c.8005A>G on transcript NM_000059.4 (MANE Select); coding-DNA position 8005, A replaced by G.
Protein change: p.Arg2669Gly; replaces arginine 2669 with glycine.
Molecular consequence: missense variant.
Genome position (GRCh38, 1-based): chr13:32,363,207, A>G. VCF-style: chr13-32363207-A-G. GRCh37 (hg19) VCF-style: chr13-32937344-A-G.
Other names: c.7909A>G, p.Arg2637Gly (NM_001406719.1); c.8005A>G, p.Arg2669Gly (NM_001406720.1); c.3073A>G, p.Arg1025Gly (NM_001406721.1); c.1588A>G, p.Arg530Gly (NM_001406722.1); short protein forms R1025G, R530G, R2637G, R2669G.
Identifiers: ClinVar variation 1761617 (VCV001761617.3), dbSNP rs2137579850, ClinGen allele CA387748690.